The following is an entry in ClinVar:

NM_001365999.1(SZT2):c.6881T>G (p.Val2294Gly)

Gene: SZT2 (SZT2 subunit of KICSTOR complex; plus strand). Cytogenetic location: 1p34.2.
Variant type: single nucleotide variant.
Coding change: c.6881T>G on transcript NM_001365999.1 (MANE Select); coding-DNA position 6881, T replaced by G.
Protein change: p.Val2294Gly; replaces valine 2294 with glycine.
Molecular consequence: missense variant.
Genome position (GRCh38, 1-based): chr1:43,439,608, T>G. VCF-style: chr1-43439608-T-G. GRCh37 (hg19) VCF-style: chr1-43905279-T-G.
Other names: c.6710T>G, p.Val2237Gly (NM_015284.4); short protein forms V2237G, V2294G.
Identifiers: ClinVar variation 1232296 (VCV001232296.3), dbSNP rs2153935420, ClinGen allele CA340032546.

ClinVar aggregate classification (germline): Likely pathogenic. Review status: criteria provided, multiple submitters, no conflicts (2 of 4 stars). 2 submissions from 2 submitters: Likely pathogenic (2). Last evaluated 2021-09-13.

Conditions:
Seizure. Also called: Seizures. Identifiers: MedGen C0036572, HP:0001250.
Multiple congenital anomalies/dysmorphic syndrome-intellectual disability. Identifiers: Orphanet 102283, MedGen C5680372, MONDO:0015159.

Submissions (2):

AURAGEN, Plan France Médecine Génomique
Classification: Likely pathogenic for Multiple congenital anomalies/dysmorphic syndrome-intellectual disability. Last evaluated: 2021-09-13. Review status: criteria provided, single submitter. Criteria: PFMG2025 (Lancet Reg Health Eur. 2025). Collection method: clinical testing. Allele origin: germline. Affected: yes.

Cytogénomique, Hospices Civils de Lyon
Classification: Likely pathogenic for Seizure. Last evaluated: 2021-09-08. Review status: criteria provided, single submitter. Criteria: ACMG Guidelines, 2015. Collection method: clinical testing. Allele origin: maternal. Inheritance: Autosomal recessive inheritance. Affected: yes. Observed: 1 variant allele, 1 compound heterozygote.
Comment: Absent from gnomAD. Predicted deleterious. In trans with a deletion of the first 4 exons. Correlation genotype/phenotype